The following is an entry in ClinVar:

NM_144997.7(FLCN):c.1306G>A (p.Ala436Thr)

Gene: FLCN (folliculin; minus strand). Cytogenetic location: 17p11.2.
Variant type: single nucleotide variant.
Coding change: c.1306G>A on transcript NM_144997.7 (MANE Select); coding-DNA position 1306, G replaced by A.
Protein change: p.Ala436Thr; replaces alanine 436 with threonine.
Molecular consequence: missense variant.
Genome position (GRCh38, 1-based): chr17:17,215,311, C>T on the plus strand (G>A on the coding strand, the complement: FLCN is on the minus strand). VCF-style: chr17-17215311-C-T. GRCh37 (hg19) VCF-style: chr17-17118625-C-T.
Other names: c.1360G>A, p.Ala454Thr (NM_001353229.2); c.1306G>A, p.Ala436Thr (NM_001353230.2, NM_001353231.2); short protein forms A436T, A454T.
Identifiers: ClinVar variation 1692070 (VCV001692070.11), dbSNP rs2144840565, ClinGen allele CA398531503.

ClinVar aggregate classification (germline): Conflicting classifications of pathogenicity. Review status: criteria provided, conflicting classifications (1 of 4 stars). 4 submissions from 4 submitters: Uncertain significance (3); Benign (1). Last evaluated 2024-06-10.

Conditions:
Hereditary cancer-predisposing syndrome. Also called: Neoplastic Syndromes, Hereditary; Hereditary Cancer Syndrome; Tumor predisposition; Hereditary neoplastic syndrome. Identifiers: Orphanet 140162, MedGen C0027672, MeSH D009386, MONDO:0015356.
Birt-Hogg-Dube syndrome. Also called: Birt Hogg Dubé syndrome. Identifiers: Orphanet 122, MedGen C0346010, MONDO:0800444.
Ovarian cancer. Also called: OVARIAN CANCER, SOMATIC. Identifiers: Orphanet 213500, MedGen C1140680, MONDO:0008170, OMIM 167000.

Allele frequency attached by ClinVar (database versions not stated): gnomAD exomes below 0.00001.
gnomAD v4.1: 1 of 1,613,952 alleles (0.000062%); highest among the groups gnomAD compares: Non-Finnish European, 0.000085%; no homozygotes.

Submissions (4):

Ambry Genetics
Classification: Uncertain significance for Hereditary cancer-predisposing syndrome. Last evaluated: 2024-06-10. Review status: criteria provided, single submitter. Criteria: Ambry Variant Classification Scheme 2023. Collection method: clinical testing. Allele origin: germline.
Comment: The p.A436T variant (also known as c.1306G>A), located in coding exon 9 of the FLCN gene, results from a G to A substitution at nucleotide position 1306. The alanine at codon 436 is replaced by threonine, an amino acid with similar properties. This amino acid position is well conserved in available vertebrate species. In addition, the in silico prediction for this alteration is inconclusive. Based on the available evidence, the clinical significance of this variant remains unclear.

Labcorp Genetics (formerly Invitae), Labcorp
Classification: Uncertain significance for Birt-Hogg-Dube syndrome. Last evaluated: 2024-03-17. Review status: criteria provided, single submitter. Criteria: Invitae Variant Classification Sherloc (09022015). Collection method: clinical testing. Allele origin: germline.
Comment: This sequence change replaces alanine, which is neutral and non-polar, with threonine, which is neutral and polar, at codon 436 of the FLCN protein (p.Ala436Thr). This variant is not present in population databases (gnomAD no frequency). This variant has not been reported in the literature in individuals affected with FLCN-related conditions. ClinVar contains an entry for this variant (Variation ID: 1692070). Advanced modeling of protein sequence and biophysical properties (such as structural, functional, and spatial information, amino acid conservation, physicochemical variation, residue mobility, and thermodynamic stability) performed at Invitae indicates that this missense variant is not expected to disrupt FLCN protein function with a negative predictive value of 80%. In summary, the available evidence is currently insufficient to determine the role of this variant in disease. Therefore, it has been classified as a Variant of Uncertain Significance.

Laboratory of Molecular Epidemiology of Birth Defects, West China Second University Hospital, Sichuan University
Classification: Benign for Ovarian cancer. Last evaluated: 2022-01-01. Review status: criteria provided, single submitter. Criteria: ACMG Guidelines, 2015. Collection method: clinical testing. Allele origin: germline. Affected: yes.

Sema4
Classification: Uncertain significance for Hereditary cancer-predisposing syndrome. Last evaluated: 2021-11-27. Review status: criteria provided, single submitter. Criteria: Sema4 Curation Guidelines. Collection method: curation. Allele origin: germline.
Comment: The FLCN c.1306G>A (p.A436T) variant has not been reported in the literature to our knowledge. It was not observed in the Genome Aggregation Database (PMID: 32461654). The variant has not been reported in ClinVar. Functional studies have not been performed, and in silico predictions of the variant's effect on protein function are inconclusive. The evidence is insufficient to meet ACMG/AMP criteria for classifying the variant as benign or pathogenic. Thus, the clinical significance of this variant is currently uncertain.